The following is an entry in ClinVar:

NM_001374828.1(ARID1B):c.1838G>A (p.Gly613Asp)

Gene: ARID1B (AT-rich interaction domain 1B; plus strand). Cytogenetic location: 6q25.3.
Variant type: single nucleotide variant.
Coding change: c.1838G>A on transcript NM_001374828.1 (MANE Select); coding-DNA position 1838, G replaced by A.
Protein change: p.Gly613Asp; replaces glycine 613 with aspartic acid.
Molecular consequence: missense variant.
Genome position (GRCh38, 1-based): chr6:156,829,273, G>A. VCF-style: chr6-156829273-G-A. GRCh37 (hg19) VCF-style: chr6-157150407-G-A.
Other names: c.1589G>A, p.Gly530Asp (NM_001346813.1, NM_020732.3); c.1838G>A, p.Gly613Asp (NM_001371656.1, NM_001374820.1, NM_017519.3); c.1415G>A, p.Gly472Asp (NM_175863.2); short protein forms G472D, G530D, G613D.
Identifiers: ClinVar variation 2194097 (VCV002194097.4), dbSNP rs750214622, ClinGen allele CA4066831.

ClinVar aggregate classification (germline): Conflicting classifications of pathogenicity. Review status: criteria provided, conflicting classifications (1 of 4 stars). 3 submissions from 3 submitters: Uncertain significance (2); Likely benign (1). Last evaluated 2026-09-11.

Conditions:
ARID1B-Related Disorder. Identifiers: MedGen CN381337.

Allele frequency attached by ClinVar (database versions not stated): gnomAD exomes below 0.00001; ExAC 0.00001.
gnomAD v4.1: 1 of 1,614,186 alleles (0.000062%); highest among the groups gnomAD compares: Admixed American, 0.0017%; no homozygotes.

Submissions (3):

PreventionGenetics, part of Exact Sciences
Classification: Likely benign for ARID1B-related condition. Last evaluated: 2026-09-11. Review status: criteria provided, single submitter. Criteria: ACMG Guidelines, 2015. Collection method: clinical testing. Allele origin: germline.
Comment: This variant is classified as likely benign based on ACMG/AMP sequence variant interpretation guidelines (Richards et al. 2015 PMID: 25741868, with internal and published modifications).

GeneDx
Classification: Uncertain significance. Last evaluated: 2024-03-08. Review status: criteria provided, single submitter. Criteria: GeneDx Variant Classification Process June 2021. Collection method: clinical testing. Allele origin: germline. Affected: yes.
Comment: In silico analysis supports that this missense variant has a deleterious effect on protein structure/function; Has not been previously published as pathogenic or benign to our knowledge

Labcorp Genetics (formerly Invitae), Labcorp
Classification: Uncertain significance. Last evaluated: 2022-07-14. Review status: criteria provided, single submitter. Criteria: Invitae Variant Classification Sherloc (09022015). Collection method: clinical testing. Allele origin: germline.
Comment: In summary, the available evidence is currently insufficient to determine the role of this variant in disease. Therefore, it has been classified as a Variant of Uncertain Significance. Algorithms developed to predict the effect of missense changes on protein structure and function are either unavailable or do not agree on the potential impact of this missense change (SIFT: "Deleterious"; PolyPhen-2: "Probably Damaging"; Align-GVGD: "Class C0"). This variant has not been reported in the literature in individuals affected with ARID1B-related conditions. This variant is present in population databases (rs750214622, gnomAD 0.003%). This sequence change replaces glycine, which is neutral and non-polar, with aspartic acid, which is acidic and polar, at codon 530 of the ARID1B protein (p.Gly530Asp).